The following is an entry in ClinVar:

ClinVar aggregate classification (germline): Uncertain significance (1 of 4 stars; one submission).

Allele frequency attached by ClinVar (database versions not stated): gnomAD 0.00001.

Submission:

Labcorp Genetics (formerly Invitae), Labcorp
Classification: Uncertain significance. Last evaluated: 2022-10-24. Review status: criteria provided, single submitter. Criteria: Invitae Variant Classification Sherloc (09022015). Collection method: clinical testing. Allele origin: germline.
Comment: In summary, the available evidence is currently insufficient to determine the role of this variant in disease. Therefore, it has been classified as a Variant of Uncertain Significance. Algorithms developed to predict the effect of missense changes on protein structure and function (SIFT, PolyPhen-2, Align-GVGD) all suggest that this variant is likely to be disruptive. ClinVar contains an entry for this variant (Variation ID: 1371559). This variant has not been reported in the literature in individuals affected with DSCAML1-related conditions. This variant is present in population databases (no rsID available, gnomAD 0.007%). This sequence change replaces arginine, which is basic and polar, with glycine, which is neutral and non-polar, at codon 966 of the DSCAML1 protein (p.Arg966Gly).

NM_020693.4(DSCAML1):c.2716C>G (p.Arg906Gly)

Gene: DSCAML1 (DS cell adhesion molecule like 1; minus strand). Cytogenetic location: 11q23.3.
Variant type: single nucleotide variant.
Coding change: c.2716C>G on transcript NM_020693.4 (MANE Select); coding-DNA position 2716, C replaced by G.
Protein change: p.Arg906Gly; replaces arginine 906 with glycine.
Molecular consequence: missense variant.
Genome position (GRCh38, 1-based): chr11:117,480,512, G>C on the plus strand (C>G on the coding strand, the complement: DSCAML1 is on the minus strand). VCF-style: chr11-117480512-G-C. GRCh37 (hg19) VCF-style: chr11-117351227-G-C.
Other names: c.2716C>G, p.Arg906Gly (NM_001367904.1); c.2896C>G (NM_020693.3); short protein forms R906G.
Identifiers: ClinVar variation 1371559 (VCV001371559.7), dbSNP rs748512341, ClinGen allele CA382746969.
Genomic context (GRCh38, chr11:117,480,512, plus strand): 5'-TCTTGTATTCAATGTCGAAGCCCGTGATGATGCTGTTCCCGTCGAATCGCTGGGTCCAGC[G>C]CAGGTTCATGCTCCGGGCCTTCACCTCCCGGATCTCCAGCTCTGGGGGGTCGGGGGGCTC-3'
Protein context (NP_065744.3, residues 896-916): REVKARSMNL[Arg906Gly]WTQRFDGNSI